The following is an entry in ClinVar:

NM_000815.5(GABRD):c.65C>T (p.Thr22Ile)

Gene: GABRD (gamma-aminobutyric acid type A receptor subunit delta; plus strand). Cytogenetic location: 1p36.33.
Variant type: single nucleotide variant.
Coding change: c.65C>T on transcript NM_000815.5 (MANE Select); coding-DNA position 65, C replaced by T.
Protein change: p.Thr22Ile; replaces threonine 22 with isoleucine.
Molecular consequence: missense variant.
Genome position (GRCh38, 1-based): chr1:2,019,488, C>T. VCF-style: chr1-2019488-C-T. GRCh37 (hg19) VCF-style: chr1-1950927-C-T.
Other names: short protein forms T22I.
Identifiers: ClinVar variation 840881 (VCV000840881.9), dbSNP rs1658715532, ClinGen allele CA337953922.

ClinVar aggregate classification (germline): Uncertain significance (1 of 4 stars; one submission).

Conditions:
Idiopathic generalized epilepsy. Also called: Generalised epilepsy; EIG. Identifiers: MedGen C0270850, MONDO:0005579, OMIM 600669.

Allele frequency attached by ClinVar (database versions not stated): gnomAD 0.00001.

Submission:

Labcorp Genetics (formerly Invitae), Labcorp
Classification: Uncertain significance for Idiopathic generalized epilepsy. Last evaluated: 2019-04-04. Review status: criteria provided, single submitter. Criteria: Invitae Variant Classification Sherloc (09022015). Collection method: clinical testing. Allele origin: germline.
Comment: This variant has not been reported in the literature in individuals with GABRD-related conditions. The frequency data for this variant in the population databases is considered unreliable, as metrics indicate insufficient coverage at this position in the ExAC database. This sequence change replaces threonine with isoleucine at codon 22 of the GABRD protein (p.Thr22Ile). The threonine residue is weakly conserved and there is a moderate physicochemical difference between threonine and isoleucine. In summary, the available evidence is currently insufficient to determine the role of this variant in disease. Therefore, it has been classified as a Variant of Uncertain Significance. Algorithms developed to predict the effect of missense changes on protein structure and function (SIFT, PolyPhen-2, Align-GVGD) all suggest that this variant is likely to be tolerated, but these predictions have not been confirmed by published functional studies and their clinical significance is uncertain.